The following is an entry in ClinVar:

ClinVar aggregate classification (germline): Pathogenic (1 of 4 stars; one submission).

Submission:

Labcorp Genetics (formerly Invitae), Labcorp
Classification: Pathogenic. Last evaluated: 2026-01-13. Review status: criteria provided, single submitter. Criteria: Invitae Variant Classification Sherloc (09022015). Collection method: clinical testing. Allele origin: germline.
Comment: This sequence change creates a premature translational stop signal (p.Asn652Lysfs*45) in the PLK4 gene. It is expected to result in an absent or disrupted protein product. Loss-of-function variants in PLK4 are known to be pathogenic (PMID: 25320347, 30842647). This variant is present in population databases (rs755842573, gnomAD 0.0009%). This variant has not been reported in the literature in individuals affected with PLK4-related conditions. For these reasons, this variant has been classified as Pathogenic.

Literature cited by the submitters: PubMed 25320347; PubMed 30842647.

NM_014264.5(PLK4):c.1956del (p.Asn652fs)

Gene: PLK4 (polo like kinase 4; plus strand). Cytogenetic location: 4q28.1.
Variant type: Deletion.
Coding change: c.1956del on transcript NM_014264.5 (MANE Select); coding-DNA position 1956, one base deleted (T; older notation c.1956delT).
Protein change: p.Asn652fs; shifts the reading frame from asparagine 652.
Molecular consequence: frameshift variant. On other transcripts: intron variant (2).
Genome position (GRCh38, 1-based): chr4:127,891,599, T deleted. VCF-style (leftmost placement, unchanged base first): chr4-127891598-AT-A. GRCh37 (hg19) VCF-style: chr4-128812753-AT-A.
Other names: c.1860del, p.Asn620fs (NM_001190799.2); c.1833del, p.Asn611fs (NM_001190801.2); c.1959del, p.Asn653fs (NM_001441357.1); c.1857del, p.Asn619fs (NM_001441358.1); c.1854del, p.Asn618fs (NM_001441359.1); c.1815del, p.Asn605fs (NM_001441360.1); c.1758del, p.Asn586fs (NM_001441361.1); c.1731del, p.Asn577fs (NM_001441366.1); and 5 more; short protein forms N562fs, N619fs, N652fs, N653fs, N445fs, N571fs, N586fs, N605fs.
Identifiers: ClinVar variation 4710728 (VCV004710728.1).
Genomic context (GRCh38, chr4:127,891,598, plus strand): 5'-TAATGGCATGTAATTAGAATTTTAAAAAAATCTTTTGGCAGATCACTATTTATTATCCAA[AT>A]GGTGGTAGAGGTTTTCCTCTTGCTGATAGACCACCCTCACCTACTGACAACATCAGTAGG-3'